The following is an entry in ClinVar:

ClinVar aggregate classification (germline): Uncertain significance (1 of 4 stars; one submission).

gnomAD v4.1: 3 of 1,607,126 alleles (0.00019%); highest among the groups gnomAD compares: Admixed American, 0.0034%; no homozygotes.

Submission:

Labcorp Genetics (formerly Invitae), Labcorp
Classification: Uncertain significance. Last evaluated: 2025-09-03. Review status: criteria provided, single submitter. Criteria: Invitae Variant Classification Sherloc (09022015). Collection method: clinical testing. Allele origin: germline.
Comment: This sequence change affects codon 594 of the SLCO5A1 mRNA. It is a 'silent' change, meaning that it does not change the encoded amino acid sequence of the SLCO5A1 protein. This variant also falls at the last nucleotide of exon 7, which is part of the consensus splice site for this exon. This variant is not present in population databases (gnomAD no frequency). This variant has not been reported in the literature in individuals affected with SLCO5A1-related conditions. ClinVar contains an entry for this variant (Variation ID: 3613054). Variants that disrupt the consensus splice site are a relatively common cause of aberrant splicing (PMID: 17576681, 9536098). Algorithms developed to predict the effect of sequence changes on RNA splicing suggest that this variant may disrupt the consensus splice site. In summary, the available evidence is currently insufficient to determine the role of this variant in disease. Therefore, it has been classified as a Variant of Uncertain Significance.

Literature cited by the submitters: PubMed 17576681; PubMed 9536098.

NM_030958.3(SLCO5A1):c.1782G>C (p.Gly594=)

Gene: SLCO5A1 (solute carrier organic anion transporter family member 5A1; minus strand). Cytogenetic location: 8q13.3.
Variant type: single nucleotide variant.
Coding change: c.1782G>C on transcript NM_030958.3 (MANE Select); coding-DNA position 1782, G replaced by C.
Protein change: p.Gly594=; no amino-acid change (glycine 594 retained).
Molecular consequence: synonymous variant.
Genome position (GRCh38, 1-based): chr8:69,682,184, C>G on the plus strand (G>C on the coding strand, the complement: SLCO5A1 is on the minus strand). VCF-style: chr8-69682184-C-G. GRCh37 (hg19) VCF-style: chr8-70594419-C-G.
Other names: c.1782G>C, p.Gly594= (NM_001146008.2); c.1617G>C, p.Gly539= (NM_001146009.1).
Identifiers: ClinVar variation 3613054 (VCV003613054.2).